The following is an entry in ClinVar:

ClinVar aggregate classification (germline): Pathogenic/Likely pathogenic. Review status: criteria provided, multiple submitters, no conflicts (2 of 4 stars). 7 submissions from 7 submitters: Pathogenic (3); Likely pathogenic (3). 1 of the submissions does not count toward it. Last evaluated 2026-01-21.

Conditions:
FANCC-related disorder. Also called: FANCC-related condition.
Hereditary cancer-predisposing syndrome. Also called: Tumor predisposition; Hereditary neoplastic syndrome; Neoplastic Syndromes, Hereditary; Hereditary Cancer Syndrome. Identifiers: Orphanet 140162, MedGen C0027672, MeSH D009386, MONDO:0015356.
Fanconi anemia (FA). Also called: Fanconi's anemia. Identifiers: Orphanet 84, MedGen C0015625, MeSH D005199, MONDO:0019391.
Fanconi anemia complementation group C (FANCC). Also called: Fanconi anemia, group C; FANCONI PANCYTOPENIA, TYPE 3; FACC; FANCC-Related Fanconi Anemia. Identifiers: Orphanet 84, MedGen C3468041, MONDO:0009213, OMIM 227645.

Allele frequency attached by ClinVar (database versions not stated): gnomAD exomes below 0.00001 and 0.00001; ExAC 0.00001.
gnomAD v4.1: 1 of 1,610,878 alleles (0.000062%); highest among the groups gnomAD compares: Admixed American, 0.0017%; no homozygotes.

Submissions (7):

Natera, Inc.
Classification: Pathogenic for Fanconi anemia. Last evaluated: 2026-01-21. Review status: criteria provided, single submitter. Criteria: Natera Variant Classification Schema (03/2026). Collection method: clinical testing. Allele origin: germline.
Comment: The c.166-2A>G variant in FANCC is a canonical splice acceptor site variant predicted to affect pre-mRNA splicing, which may result in an abnormal transcript and altered protein product. This variant is expected to result in nonsense mediated decay, truncation, or a dysfunctional protein product. This variant is rare in the general population with a frequency below the threshold expected for the associated phenotype(s). This variant has been observed in one or more individuals affected with the associated recessive disease, as either homozygous or compound heterozygous with a second variant (PMID: 34008892). Given the available evidence, this variant is classified as Pathogenic.

Labcorp Genetics (formerly Invitae), Labcorp
Classification: Likely pathogenic for Fanconi anemia. Last evaluated: 2024-03-03. Review status: criteria provided, single submitter. Criteria: Invitae Variant Classification Sherloc (09022015). Collection method: clinical testing. Allele origin: germline.
Comment: This sequence change affects an acceptor splice site in intron 2 of the FANCC gene. It is expected to disrupt RNA splicing. Variants that disrupt the donor or acceptor splice site typically lead to a loss of protein function (PMID: 16199547), and loss-of-function variants in FANCC are known to be pathogenic (PMID: 17924555). This variant is present in population databases (rs587777945, gnomAD 0.003%). Disruption of this splice site has been observed in individual(s) with a hematological condition (PMID: 34008892). ClinVar contains an entry for this variant (Variation ID: 135543). Algorithms developed to predict the effect of sequence changes on RNA splicing suggest that this variant may disrupt the consensus splice site. In summary, the currently available evidence indicates that the variant is pathogenic, but additional data are needed to prove that conclusively. Therefore, this variant has been classified as Likely Pathogenic.

Fulgent Genetics
Classification: Likely pathogenic for Fanconi anemia complementation group C. Last evaluated: 2024-02-26. Review status: criteria provided, single submitter. Criteria: ACMG Guidelines, 2015. Collection method: clinical testing. Allele origin: germline.

PreventionGenetics, part of Exact Sciences
Classification: Pathogenic for FANCC-related condition. Last evaluated: 2022-12-14. Review status: criteria provided, single submitter. Criteria: ACMG Guidelines, 2015. Collection method: clinical testing. Allele origin: germline.
Comment: The FANCC c.166-2A>G variant is predicted to disrupt the AG splice acceptor site and interfere with normal splicing. This variant has been reported in the homozygous state in an individual with hematological abnormalities (Marinakis et al. 2021. PubMed ID: 34008892. Table S3). This variant is reported in 0.0029% of alleles in individuals of Latino descent in gnomAD. Variants that disrupt the consensus splice acceptor site in FANCC are expected to be pathogenic. This variant is interpreted as pathogenic.

Ambry Genetics
Classification: Likely pathogenic for Hereditary cancer-predisposing syndrome. Last evaluated: 2022-02-01. Review status: criteria provided, single submitter. Criteria: Ambry Variant Classification Scheme 2023. Collection method: clinical testing. Allele origin: germline.
Comment: The c.166-2A>G intronic variant results from an A to G substitution two nucleotides upstream from coding exon 2 in the FANCC gene. This variant has been identified as homozygous in a carrier with hematological abnormalities (Marinakis NM et al. Am J Med Genet A, 2021 08;185:2561-2571).This nucleotide position is highly conserved in available vertebrate species. In silico splice site analysis predicts that this alteration will weaken the native splice acceptor site; however, direct evidence is insufficient at this time (Ambry internal data). Alterations that disrupt the canonical splice site are expected to cause aberrant splicing, resulting in an abnormal protein or a transcript that is subject to nonsense-mediated mRNA decay. As such, this alteration is classified as likely pathogenic.

Laboratory of Medical Genetics, National & Kapodistrian University of Athens
Classification: Pathogenic for Fanconi anemia complementation group C. Last evaluated: 2021-10-01. Review status: criteria provided, single submitter. Criteria: ACMG Guidelines, 2015. Collection method: clinical testing. Allele origin: unknown. Affected: yes.
Comment: PVS1, PM2, PP3, PP4

ITMI
No classification provided. Condition: AllHighlyPenetrant. Last evaluated: 2013-09-19. Review status: no classification provided. Collection method: reference population. Allele origin: germline. Not counted in ClinVar's aggregate classification.
Comment: Please see associated publication for description of ethnicities

Literature cited by the submitters: PubMed 34008892 (cited by 4 submitters); PubMed 16199547 (cited by Labcorp Genetics (formerly Invitae), Labcorp); PubMed 17924555 (cited by Labcorp Genetics (formerly Invitae), Labcorp); PubMed 24728327 (cited by ITMI).

NM_000136.3(FANCC):c.166-2A>G

Gene: FANCC (FA complementation group C; minus strand). Cytogenetic location: 9q22.32.
Variant type: single nucleotide variant.
Coding change: c.166-2A>G on transcript NM_000136.3 (MANE Select); the canonical splice acceptor site of the intron before coding-DNA position 166, A replaced by G.
Molecular consequence: splice acceptor variant.
Genome position (GRCh38, 1-based): chr9:95,247,518, T>C on the plus strand (A>G on the coding strand, the complement: FANCC is on the minus strand). VCF-style: chr9-95247518-T-C. GRCh37 (hg19) VCF-style: chr9-98009800-T-C.
Other names: c.166-2A>G (NM_001243743.2, NM_001243744.2).
Identifiers: ClinVar variation 135543 (VCV000135543.10), dbSNP rs587777945, ClinGen allele CA163000.